The following is an entry in ClinVar:

ClinVar aggregate classification (germline): Likely pathogenic (1 of 4 stars; one submission).

Submission:

Labcorp Genetics (formerly Invitae), Labcorp
Classification: Likely pathogenic. Last evaluated: 2024-01-31. Review status: criteria provided, single submitter. Criteria: Invitae Variant Classification Sherloc (09022015). Collection method: clinical testing. Allele origin: germline.
Comment: This sequence change affects a donor splice site in intron 10 of the LOXHD1 gene. It is expected to disrupt RNA splicing. Variants that disrupt the donor or acceptor splice site typically lead to a loss of protein function (PMID: 16199547), and loss-of-function variants in LOXHD1 are known to be pathogenic (PMID: 19732867, 21465660, 25792669). This variant is not present in population databases (gnomAD no frequency). This variant has not been reported in the literature in individuals affected with LOXHD1-related conditions. Algorithms developed to predict the effect of sequence changes on RNA splicing suggest that this variant may disrupt the consensus splice site. In summary, the currently available evidence indicates that the variant is pathogenic, but additional data are needed to prove that conclusively. Therefore, this variant has been classified as Likely Pathogenic.

Literature cited by the submitters: PubMed 16199547; PubMed 19732867; PubMed 21465660; PubMed 25792669.

NM_001384474.1(LOXHD1):c.1431+1G>C

Gene: LOXHD1 (lipoxygenase homology PLAT domains 1; minus strand). Cytogenetic location: 18q21.1.
Variant type: single nucleotide variant.
Coding change: c.1431+1G>C on transcript NM_001384474.1 (MANE Select); the canonical splice donor site of the intron after coding-DNA position 1431, G replaced by C.
Molecular consequence: splice donor variant.
Genome position (GRCh38, 1-based): chr18:46,593,599, C>G on the plus strand (G>C on the coding strand, the complement: LOXHD1 is on the minus strand). VCF-style: chr18-46593599-C-G. GRCh37 (hg19) VCF-style: chr18-44173562-C-G.
Other names: c.1431+1G>C (NM_144612.7).
Identifiers: ClinVar variation 3637874 (VCV003637874.2).